The following is an entry in ClinVar:

ClinVar aggregate classification (germline): Uncertain significance (1 of 4 stars; one submission).

Submission:

Ambry Genetics
Classification: Uncertain significance. Last evaluated: 2023-05-20. Review status: criteria provided, single submitter. Criteria: Ambry Variant Classification Scheme 2023. Collection method: clinical testing. Allele origin: germline.
Comment: The p.T2204I variant (also known as c.6611C>T), located in coding exon 22 of the POLQ gene, results from a C to T substitution at nucleotide position 6611. The threonine at codon 2204 is replaced by isoleucine, an amino acid with similar properties. This amino acid position is conserved. In addition, this alteration is predicted to be tolerated by in silico analysis. Since supporting evidence is limited at this time, the clinical significance of this alteration remains unclear.

NM_199420.4(POLQ):c.6611C>T (p.Thr2204Ile)

Gene: POLQ (DNA polymerase theta; minus strand). Cytogenetic location: 3q13.33.
Variant type: single nucleotide variant.
Coding change: c.6611C>T on transcript NM_199420.4 (MANE Select); coding-DNA position 6611, C replaced by T.
Protein change: p.Thr2204Ile; replaces threonine 2204 with isoleucine.
Molecular consequence: missense variant.
Genome position (GRCh38, 1-based): chr3:121,472,097, G>A on the plus strand (C>T on the coding strand, the complement: POLQ is on the minus strand). VCF-style: chr3-121472097-G-A. GRCh37 (hg19) VCF-style: chr3-121190944-G-A.
Other names: short protein forms T2204I.
Identifiers: ClinVar variation 2563858 (VCV002563858.2), dbSNP rs2546773505, ClinGen allele CA354085427.